The following is an entry in ClinVar:

ClinVar aggregate classification (germline): Uncertain significance. Review status: criteria provided, multiple submitters, no conflicts (2 of 4 stars). 2 submissions from 2 submitters: Uncertain significance (2). Last evaluated 2026-04-23.

Allele frequency attached by ClinVar (database versions not stated): gnomAD 0.00001.
gnomAD v4.1: 7 of 1,613,672 alleles (0.00043%); highest among the groups gnomAD compares: Non-Finnish European, 0.00059%; no homozygotes.

Submissions (2):

Women's Health and Genetics/Laboratory Corporation of America, LabCorp
Classification: Uncertain significance. Last evaluated: 2026-04-23. Review status: criteria provided, single submitter. Criteria: LabCorp Variant Classification Summary - May 2015. Collection method: clinical testing. Allele origin: germline.
Comment: Variant summary: SON c.5742C>A (p.Asn1914Lys) results in a non-conservative amino acid change in the encoded protein sequence. Algorithms developed to predict the effect of missense changes on protein structure and function are either unavailable or do not agree on the potential impact of this missense change. The variant allele was found at a frequency of 4e-06 in 250440 control chromosomes. The available data on variant occurrences in the general population are insufficient to allow any conclusion about variant significance. To our knowledge, no occurrence of c.5742C>A in individuals affected with SON-related conditions and no experimental evidence demonstrating its impact on protein function have been reported. ClinVar contains an entry for this variant (Variation ID: 2652622). Based on the evidence outlined above, the variant was classified as uncertain significance.

CeGaT Center for Human Genetics Tuebingen
Classification: Uncertain significance. Last evaluated: 2022-11-01. Review status: criteria provided, single submitter. Criteria: CeGaT Center For Human Genetics Tuebingen Variant Classification Criteria Version 2. Collection method: clinical testing. Allele origin: germline. Affected: yes. Observed: 1 variant allele.

NM_138927.4(SON):c.5742C>A (p.Asn1914Lys)

Gene: SON (SON DNA and RNA binding protein; plus strand). Cytogenetic location: 21q22.11.
Variant type: single nucleotide variant.
Coding change: c.5742C>A on transcript NM_138927.4 (MANE Select); coding-DNA position 5742, C replaced by A.
Protein change: p.Asn1914Lys; replaces asparagine 1914 with lysine.
Molecular consequence: missense variant. On other transcripts: non-coding transcript variant (1), intron variant (1).
Genome position (GRCh38, 1-based): chr21:33,554,973, C>A. VCF-style: chr21-33554973-C-A. GRCh37 (hg19) VCF-style: chr21-34927279-C-A.
Other names: c.5742C>A, p.Asn1914Lys (NM_001291411.2, NM_001412133.1, NM_032195.3 and 2 more transcripts); c.245-2183C>A (NM_001291412.3); short protein forms N1914K.
Identifiers: ClinVar variation 2652622 (VCV002652622.25), dbSNP rs1258738609, ClinGen allele CA410165453.